The following is an entry in ClinVar:

ClinVar aggregate classification (germline): Pathogenic (1 of 4 stars; one submission).

Conditions:
ALG6-congenital disorder of glycosylation 1C (CDG1C). Also called: CDG Ic; Congenital disorder of glycosylation, type Ic; CARBOHYDRATE-DEFICIENT GLYCOPROTEIN SYNDROME, TYPE I, WITH DEFICIENT GLYCOSYLATION OF DOLICHOL-LINKED OLIGOSACCHARIDE; CARBOHYDRATE-DEFICIENT GLYCOPROTEIN SYNDROME, TYPE V; Congenital disorder of glycosylation type 1C. Identifiers: Orphanet 79320, MedGen C2930997, MONDO:0011291, OMIM 603147.

Submission:

Labcorp Genetics (formerly Invitae), Labcorp
Classification: Pathogenic for ALG6-congenital disorder of glycosylation 1C. Last evaluated: 2023-04-09. Review status: criteria provided, single submitter. Criteria: Invitae Variant Classification Sherloc (09022015). Collection method: clinical testing. Allele origin: unknown.
Comment: For these reasons, this variant has been classified as Pathogenic. This variant has not been reported in the literature in individuals affected with ALG6-related conditions. This variant is a gross deletion of the genomic region encompassing exon(s) 4-5 of the ALG6 gene. This deletion is out-of-frame, and is expected to create a premature termination codon and result in an absent or disrupted protein product. Loss-of-function variants in ALG6 are known to be pathogenic (PMID: 19862844).

Literature cited by the submitters: PubMed 19862844.

NC_000001.10:g.(?_63867905)_(63870232_?)del

Gene: ALG6 (ALG6 alpha-1,3-glucosyltransferase; plus strand). Cytogenetic location: 1p31.3.
Variant type: Deletion.
Identifiers: ClinVar variation 3247796 (VCV003247796.1).